The following is an entry in ClinVar:

NM_201384.3(PLEC):c.4235A>G (p.Gln1412Arg)

Gene: PLEC (plectin; minus strand). Cytogenetic location: 8q24.3.
Variant type: single nucleotide variant.
Coding change: c.4235A>G on transcript NM_201384.3 (MANE Select); coding-DNA position 4235, A replaced by G.
Protein change: p.Gln1412Arg; replaces glutamine 1412 with arginine.
Molecular consequence: missense variant.
Genome position (GRCh38, 1-based): chr8:143,925,694, T>C on the plus strand (A>G on the coding strand, the complement: PLEC is on the minus strand). VCF-style: chr8-143925694-T-C. GRCh37 (hg19) VCF-style: chr8-144999862-T-C.
Other names: c.4316A>G, p.Gln1439Arg (NM_000445.5); c.4193A>G, p.Gln1398Arg (NM_201378.4); c.4169A>G, p.Gln1390Arg (NM_201379.3); c.4646A>G, p.Gln1549Arg (NM_201380.4); c.4139A>G, p.Gln1380Arg (NM_201381.3); c.4235A>G, p.Gln1412Arg (NM_201382.4); c.4247A>G, p.Gln1416Arg (NM_201383.3); short protein forms Q1439R, Q1412R, Q1416R, Q1380R, Q1390R, Q1398R, Q1549R.
Identifiers: ClinVar variation 1986488 (VCV001986488.5), dbSNP rs782114006, ClinGen allele CA4926725.
Genomic context (GRCh38, chr8:143,925,694, plus strand): 5'-TCCGCCTCCGAGCTCTGCCGCAGCTGCTGCAGCTCCTCCTGAATGCTGCGCTTCTGCTGC[T>C]GCGCGTCCACCGCCGCCTCCTCCCGCCGCACCACCTCCTCCTGCATGCGCTGCTGCAGCT-3'
Protein context (NP_958786.1, residues 1402-1422): VRREEAAVDA[Gln1412Arg]QQKRSIQEEL

ClinVar aggregate classification (germline): Uncertain significance. Review status: criteria provided, multiple submitters, no conflicts (2 of 4 stars). 2 submissions from 2 submitters: Uncertain significance (2). Last evaluated 2024-07-01.

Conditions:
Epidermolysis bullosa simplex 5B, with muscular dystrophy (EBS5B). Also called: EPIDERMOLYSIS BULLOSA SIMPLEX AND LIMB-GIRDLE MUSCULAR DYSTROPHY; Epidermolysis bullosa simplex with muscular dystrophy. Identifiers: Orphanet 257, MedGen C2931072, MONDO:0009181, OMIM 226670.
Autosomal recessive limb-girdle muscular dystrophy type 2Q (LGMDR17). Also called: MUSCULAR DYSTROPHY, LIMB-GIRDLE, AUTOSOMAL RECESSIVE 17. Identifiers: Orphanet 254361, MedGen C3150989, MONDO:0013390, OMIM 613723.
Epidermolysis bullosa simplex, Ogna type (EBS5A). Also called: Pidermolysis bullosa simplex 5A, Ogna type; EPIDERMOLYSIS BULLOSA SIMPLEX 5A, OGNA TYPE. Identifiers: Orphanet 79401, MedGen C0432317, MONDO:0007555, OMIM 131950.
Epidermolysis bullosa simplex 5C, with pyloric atresia (EBS5C). Also called: PLEC-Related Epidermolysis Bullosa with Pyloric Atresia; Epidermolysis bullosa simplex with pyloric atresia; PLEC1-Related Epidermolysis Bullosa with Pyloric Atresia. Identifiers: Orphanet 158684, MedGen C2677349, MONDO:0012807, OMIM 612138.
Epidermolysis bullosa simplex with nail dystrophy (EBS5D). Identifiers: MedGen C4225309, MONDO:0014661, OMIM 616487.

Allele frequency attached by ClinVar (database versions not stated): gnomAD exomes 0.00001; TOPMed 0.00001; ExAC 0.00003.
gnomAD v4.1: 9 of 1,592,152 alleles (0.00057%); highest among the groups gnomAD compares: Non-Finnish European, 0.00076%; no homozygotes.

Submissions (2):

Blueprint Genetics
Classification: Uncertain significance. Last evaluated: 2024-07-01. Review status: criteria provided, single submitter. Criteria: ACMG Guidelines, 2015. Collection method: clinical testing. Allele origin: germline.

Labcorp Genetics (formerly Invitae), Labcorp
Classification: Uncertain significance for Autosomal recessive limb-girdle muscular dystrophy type 2Q; Epidermolysis bullosa simplex, Ogna type; Epidermolysis bullosa simplex with nail dystrophy; Epidermolysis bullosa simplex 5C, with pyloric atresia; Epidermolysis bullosa simplex 5B, with muscular dystrophy. Last evaluated: 2022-03-01. Review status: criteria provided, single submitter. Criteria: Invitae Variant Classification Sherloc (09022015). Collection method: clinical testing. Allele origin: germline.
Comment: This variant is present in population databases (rs782114006, gnomAD 0.002%). In summary, the available evidence is currently insufficient to determine the role of this variant in disease. Therefore, it has been classified as a Variant of Uncertain Significance. Algorithms developed to predict the effect of missense changes on protein structure and function are either unavailable or do not agree on the potential impact of this missense change (SIFT: "Deleterious"; PolyPhen-2: "Not Available"; Align-GVGD: "Class C0"). This variant has not been reported in the literature in individuals affected with PLEC-related conditions. This sequence change replaces glutamine, which is neutral and polar, with arginine, which is basic and polar, at codon 1439 of the PLEC protein (p.Gln1439Arg).